The following is an entry in ClinVar:

ClinVar aggregate classification (germline): Uncertain significance (1 of 4 stars; one submission).

Conditions:
Inborn genetic diseases. Identifiers: MedGen C0950123, MeSH D030342.

gnomAD v4.1: 97 of 1,613,654 alleles (0.006%); highest among the groups gnomAD compares: Non-Finnish European, 0.0078%; no homozygotes.

Submission:

Ambry Genetics
Classification: Uncertain significance for Inborn genetic diseases. Last evaluated: 2025-12-08. Review status: criteria provided, single submitter. Criteria: Ambry Variant Classification Scheme 2023. Collection method: clinical testing. Allele origin: germline.
Comment: The c.1150A>G (p.R384G) alteration is located in exon 11 (coding exon 10) of the HDAC4 gene. This alteration results from a A to G substitution at nucleotide position 1150, causing the arginine (R) at amino acid position 384 to be replaced by a glycine (G). Based on data from gnomAD, the G allele has an overall frequency of 0.002% (6/280818) total alleles studied. The highest observed frequency was 0.008% (2/24780) of African alleles. Based on insufficient or conflicting evidence, the clinical significance of this alteration remains unclear.

NM_001378414.1(HDAC4):c.1150A>G (p.Arg384Gly)

Gene: HDAC4 (histone deacetylase 4; minus strand). Cytogenetic location: 2q37.3.
Variant type: single nucleotide variant.
Coding change: c.1150A>G on transcript NM_001378414.1 (MANE Select); coding-DNA position 1150, A replaced by G.
Protein change: p.Arg384Gly; replaces arginine 384 with glycine.
Molecular consequence: missense variant.
Genome position (GRCh38, 1-based): chr2:239,134,389, T>C on the plus strand (A>G on the coding strand, the complement: HDAC4 is on the minus strand). VCF-style: chr2-239134389-T-C. GRCh37 (hg19) VCF-style: chr2-240056085-T-C.
Other names: c.1150A>G, p.Arg384Gly (NM_001378415.1, NM_001378416.1, NM_001378417.1 and 1 more transcripts); c.1069A>G, p.Arg357Gly (NM_001435991.1, NM_001435992.1, NM_001435994.1 and 1 more transcripts); c.1006A>G, p.Arg336Gly (NM_001435993.1); c.1135A>G, p.Arg379Gly (NM_001435996.1); short protein forms R379G, R384G, R336G, R357G.
Identifiers: ClinVar variation 4621380 (VCV004621380.1).